The following is an entry in ClinVar:

NM_006514.4(SCN10A):c.5018C>G (p.Thr1673Arg)

Gene: SCN10A (sodium voltage-gated channel alpha subunit 10; minus strand). Cytogenetic location: 3p22.2.
Variant type: single nucleotide variant.
Coding change: c.5018C>G on transcript NM_006514.4 (MANE Select); coding-DNA position 5018, C replaced by G.
Protein change: p.Thr1673Arg; replaces threonine 1673 with arginine.
Molecular consequence: missense variant.
Genome position (GRCh38, 1-based): chr3:38,698,202, G>C on the plus strand (C>G on the coding strand, the complement: SCN10A is on the minus strand). VCF-style: chr3-38698202-G-C. GRCh37 (hg19) VCF-style: chr3-38739693-G-C.
Other names: c.5015C>G, p.Thr1672Arg (NM_001293306.2); c.4724C>G, p.Thr1575Arg (NM_001293307.2); short protein forms T1575R, T1673R, T1672R.
Identifiers: ClinVar variation 3316513 (VCV003316513.1).

ClinVar aggregate classification (germline): Uncertain significance (1 of 4 stars; one submission).

Conditions:
Cardiovascular phenotype. Identifiers: MedGen CN230736.

Submission:

Ambry Genetics
Classification: Uncertain significance for Cardiovascular phenotype. Last evaluated: 2024-04-27. Review status: criteria provided, single submitter. Criteria: Ambry Variant Classification Scheme 2023. Collection method: clinical testing. Allele origin: germline.
Comment: The p.T1673R variant (also known as c.5018C>G), located in coding exon 27 of the SCN10A gene, results from a C to G substitution at nucleotide position 5018. The threonine at codon 1673 is replaced by arginine, an amino acid with similar properties. This amino acid position is conserved. In addition, the in silico prediction for this alteration is inconclusive. Based on the available evidence, the clinical significance of this variant remains unclear.